The following is an entry in ClinVar:

NM_012479.4(YWHAG):c.599C>T (p.Ala200Val)

Gene: YWHAG (tyrosine 3-monooxygenase/tryptophan 5-monooxygenase activation protein gamma; minus strand). Cytogenetic location: 7q11.23.
Variant type: single nucleotide variant.
Coding change: c.599C>T on transcript NM_012479.4 (MANE Select); coding-DNA position 599, C replaced by T.
Protein change: p.Ala200Val; replaces alanine 200 with valine.
Molecular consequence: missense variant.
Genome position (GRCh38, 1-based): chr7:76,329,722, G>A on the plus strand (C>T on the coding strand, the complement: YWHAG is on the minus strand). VCF-style: chr7-76329722-G-A. GRCh37 (hg19) VCF-style: chr7-75959039-G-A.
Other names: short protein forms A200V.
Identifiers: ClinVar variation 3682320 (VCV003682320.2).
Genomic context (GRCh38, chr7:76,329,722, plus strand): 5'-GTGGAGTCCTTGTAGGAGTCCTCGTTGAGGGTGTCAAGCTCGGCGATGGCGTCGTCGAAC[G>A]CGGTCTTGGCCAAGTGGCACGCTTGCTCTGGGGCGTTCTGGATCTCATAGTAGAAGACGG-3'
Protein context (NP_036611.2, residues 190-210): PEQACHLAKT[Ala200Val]FDDAIAELDT

ClinVar aggregate classification (germline): Uncertain significance (1 of 4 stars; one submission).

gnomAD v4.1: 10 of 1,614,202 alleles (0.00062%); highest among the groups gnomAD compares: South Asian, 0.0011%; no homozygotes.

Submission:

Labcorp Genetics (formerly Invitae), Labcorp
Classification: Uncertain significance. Last evaluated: 2024-11-18. Review status: criteria provided, single submitter. Criteria: Invitae Variant Classification Sherloc (09022015). Collection method: clinical testing. Allele origin: germline.
Comment: This sequence change replaces alanine, which is neutral and non-polar, with valine, which is neutral and non-polar, at codon 200 of the YWHAG protein (p.Ala200Val). This variant is present in population databases (rs749364591, gnomAD 0.006%). This variant has not been reported in the literature in individuals affected with YWHAG-related conditions. Invitae Evidence Modeling of protein sequence and biophysical properties (such as structural, functional, and spatial information, amino acid conservation, physicochemical variation, residue mobility, and thermodynamic stability) indicates that this missense variant is not expected to disrupt YWHAG protein function with a negative predictive value of 80%. In summary, the available evidence is currently insufficient to determine the role of this variant in disease. Therefore, it has been classified as a Variant of Uncertain Significance.